The following is an entry in ClinVar:

NM_014994.3(MAPKBP1):c.2777G>A (p.Arg926Gln)

Gene: MAPKBP1 (mitogen-activated protein kinase binding protein 1; plus strand). Cytogenetic location: 15q15.1.
Variant type: single nucleotide variant.
Coding change: c.2777G>A on transcript NM_014994.3 (MANE Select); coding-DNA position 2777, G replaced by A.
Protein change: p.Arg926Gln; replaces arginine 926 with glutamine.
Molecular consequence: missense variant. On other transcripts: non-coding transcript variant (2).
Genome position (GRCh38, 1-based): chr15:41,821,642, G>A. VCF-style: chr15-41821642-G-A. GRCh37 (hg19) VCF-style: chr15-42113840-G-A.
Other names: c.2795G>A, p.Arg932Gln (NM_001128608.2); c.2777G>A, p.Arg926Gln (NM_001265611.2); short protein forms R926Q, R932Q.
Identifiers: ClinVar variation 2781808 (VCV002781808.3), dbSNP rs1176509337, ClinGen allele CA391872354.

ClinVar aggregate classification (germline): Uncertain significance (1 of 4 stars; one submission).

Allele frequency attached by ClinVar (database versions not stated): TOPMed 0.00001.
gnomAD v4.1: 5 of 1,614,062 alleles (0.00031%); highest among the groups gnomAD compares: East Asian, 0.0045%; no homozygotes.

Submission:

Labcorp Genetics (formerly Invitae), Labcorp
Classification: Uncertain significance. Last evaluated: 2023-07-29. Review status: criteria provided, single submitter. Criteria: Invitae Variant Classification Sherloc (09022015). Collection method: clinical testing. Allele origin: germline.
Comment: In summary, the available evidence is currently insufficient to determine the role of this variant in disease. Therefore, it has been classified as a Variant of Uncertain Significance. Algorithms developed to predict the effect of missense changes on protein structure and function output the following: SIFT: "Not Available"; PolyPhen-2: "Benign"; Align-GVGD: "Not Available". The glutamine amino acid residue is found in multiple mammalian species, which suggests that this missense change does not adversely affect protein function. This variant has not been reported in the literature in individuals affected with MAPKBP1-related conditions. This variant is present in population databases (no rsID available, gnomAD 0.008%). This sequence change replaces arginine, which is basic and polar, with glutamine, which is neutral and polar, at codon 932 of the MAPKBP1 protein (p.Arg932Gln).